The following is an entry in ClinVar:

NM_033118.4(MYLK2):c.1229A>G (p.Glu410Gly)

Gene: MYLK2 (myosin light chain kinase 2; plus strand). Cytogenetic location: 20q11.21.
Variant type: single nucleotide variant.
Coding change: c.1229A>G on transcript NM_033118.4 (MANE Select); coding-DNA position 1229, A replaced by G.
Protein change: p.Glu410Gly; replaces glutamic acid 410 with glycine.
Molecular consequence: missense variant.
Genome position (GRCh38, 1-based): chr20:31,830,823, A>G. VCF-style: chr20-31830823-A-G. GRCh37 (hg19) VCF-style: chr20-30418626-A-G.
Other names: short protein forms E410G.
Identifiers: ClinVar variation 4695375 (VCV004695375.1).
Genomic context (GRCh38, chr20:31,830,823, plus strand): 5'-GGAGAGGGAGGGTGAGCTGGTCAGAGGCCCACCCAGGCCACCCCCTTTCTCCTCAGCCAG[A>G]GAACATCCTGTGTGTCAACACCACCGGGCATTTGGTGAAGATCATTGACTTTGGCCTGGC-3'
Protein context (NP_149109.1, residues 400-420): MRVLHLDLKP[Glu410Gly]NILCVNTTGH

ClinVar aggregate classification (germline): Uncertain significance (1 of 4 stars; one submission).

Conditions:
Hypertrophic cardiomyopathy 1 (CMH1). Also called: Familial hypertrophic cardiomyopathy 1; MYH7-Related Familial Hypertrophic Cardiomyopathy. Identifiers: MedGen C3495498, MONDO:0008647, OMIM 192600.

gnomAD v4.1: 2 of 1,613,812 alleles (0.00012%); highest among the groups gnomAD compares: Non-Finnish European, 0.00017%; no homozygotes.

Submission:

Labcorp Genetics (formerly Invitae), Labcorp
Classification: Uncertain significance for Hypertrophic cardiomyopathy 1. Last evaluated: 2025-02-20. Review status: criteria provided, single submitter. Criteria: Invitae Variant Classification Sherloc (09022015). Collection method: clinical testing. Allele origin: germline.
Comment: This sequence change replaces glutamic acid, which is acidic and polar, with glycine, which is neutral and non-polar, at codon 410 of the MYLK2 protein (p.Glu410Gly). This variant is present in population databases (rs753472698, gnomAD 0.0009%). This variant has not been reported in the literature in individuals affected with MYLK2-related conditions. Invitae Evidence Modeling of protein sequence and biophysical properties (such as structural, functional, and spatial information, amino acid conservation, physicochemical variation, residue mobility, and thermodynamic stability) indicates that this missense variant is expected to disrupt MYLK2 protein function with a positive predictive value of 80%. In summary, the available evidence is currently insufficient to determine the role of this variant in disease. Therefore, it has been classified as a Variant of Uncertain Significance.